The following is an entry in ClinVar:

NM_014141.6(CNTNAP2):c.1879G>A (p.Val627Ile)

Gene: CNTNAP2 (contactin associated protein 2; plus strand). Cytogenetic location: 7q35.
Variant type: single nucleotide variant.
Coding change: c.1879G>A on transcript NM_014141.6 (MANE Select); coding-DNA position 1879, G replaced by A.
Protein change: p.Val627Ile; replaces valine 627 with isoleucine.
Molecular consequence: missense variant.
Genome position (GRCh38, 1-based): chr7:147,562,239, G>A. VCF-style: chr7-147562239-G-A. GRCh37 (hg19) VCF-style: chr7-147259331-G-A.
Other names: p.V627I:GTT>ATT; short protein forms V627I.
Identifiers: ClinVar variation 205251 (VCV000205251.18), dbSNP rs147447659, ClinGen allele CA314136.

ClinVar aggregate classification (germline): Uncertain significance. Review status: criteria provided, multiple submitters, no conflicts (2 of 4 stars). 5 submissions from 5 submitters: Uncertain significance (5). Last evaluated 2026-02-25.

Conditions:
Inborn genetic diseases. Identifiers: MedGen C0950123, MeSH D030342.
Cortical dysplasia-focal epilepsy syndrome (PTHSL1). Also called: Pitt-Hopkins-like syndrome 1. Identifiers: Orphanet 163681, Orphanet 221150, MedGen C2750246, MONDO:0012400, OMIM 610042.

Allele frequency attached by ClinVar (database versions not stated): gnomAD exomes 0.00002 and 0.00003; ExAC 0.00004; 1000 Genomes Project 0.00020; ESP Exome Variant Server 0.00023; gnomAD 0.00025 and 0.00029; TOPMed 0.00027; 1000 Genomes Project 30x 0.00016.
gnomAD v4.1: 74 of 1,613,984 alleles (0.0046%); highest among the groups gnomAD compares: African/African-American, 0.089%; 1 homozygote.

Submissions (5):

Ambry Genetics
Classification: Uncertain significance for Inborn genetic diseases. Last evaluated: 2026-02-25. Review status: criteria provided, single submitter. Criteria: Ambry Variant Classification Scheme 2023. Collection method: clinical testing. Allele origin: germline.
Comment: The c.1879G>A (p.V627I) alteration is located in exon 12 (coding exon 12) of the CNTNAP2 gene. This alteration results from a G to A substitution at nucleotide position 1879, causing the valine (V) at amino acid position 627 to be replaced by an isoleucine (I). Based on data from gnomAD, the A allele has an overall frequency of 0.004% (12/282700) total alleles studied. The highest observed frequency was 0.048% (12/24970) of African alleles. Based on insufficient or conflicting evidence, the clinical significance of this alteration remains unclear.

GeneDx
Classification: Uncertain significance. Last evaluated: 2025-04-22. Review status: criteria provided, single submitter. Criteria: GeneDx Variant Classification Process June 2021. Collection method: clinical testing. Allele origin: germline. Affected: yes.
Comment: Observed in an individual with persistent developmental stuttering; however, additional information regarding the phenotype of the individual and information about parental testing were not provided and the authors concluded that CNTNAP2 variants were not associated with stuttering (PMID: 24807205); In silico analysis indicates that this missense variant does not alter protein structure/function; This variant is associated with the following publications: (PMID: 24807205)

Labcorp Genetics (formerly Invitae), Labcorp
Classification: Uncertain significance for Cortical dysplasia-focal epilepsy syndrome. Last evaluated: 2024-10-22. Review status: criteria provided, single submitter. Criteria: Invitae Variant Classification Sherloc (09022015). Collection method: clinical testing. Allele origin: germline.
Comment: This sequence change replaces valine, which is neutral and non-polar, with isoleucine, which is neutral and non-polar, at codon 627 of the CNTNAP2 protein (p.Val627Ile). This variant is present in population databases (rs147447659, gnomAD 0.05%). This missense change has been observed in individual(s) with specific language impairment (PMID: 24807205). ClinVar contains an entry for this variant (Variation ID: 205251). An algorithm developed to predict the effect of missense changes on protein structure and function (PolyPhen-2) suggests that this variant is likely to be disruptive. In summary, the available evidence is currently insufficient to determine the role of this variant in disease. Therefore, it has been classified as a Variant of Uncertain Significance.

Women's Health and Genetics/Laboratory Corporation of America, LabCorp
Classification: Uncertain significance. Last evaluated: 2022-06-23. Review status: criteria provided, single submitter. Criteria: LabCorp Variant Classification Summary - May 2015. Collection method: clinical testing. Allele origin: germline.
Comment: Variant summary: CNTNAP2 c.1879G>A (p.Val627Ile) results in a conservative amino acid change located in the Fibrinogen, alpha/beta/gamma chain, C-terminal globular domain (IPR002181) of the encoded protein sequence. Three of five in-silico tools predict a damaging effect of the variant on protein function. The variant allele was found at a frequency of 4.2e-05 in 282700 control chromosomes (gnomAD), predominantly at a frequency of 0.00048 within the African or African-American subpopulation in the gnomAD database. c.1879G>A has been reported in the literature in at least one individual affected with stuttering (Han_2014). This report does not provide unequivocal conclusions about association of the variant with Autism, Susceptibility 15. To our knowledge, no experimental evidence demonstrating an impact on protein function has been reported. Four ClinVar submitters have assessed the variant since 2014: all classified the variant as of uncertain significance. Based on the evidence outlined above, the variant was classified as uncertain significance.

New York Genome Center
Classification: Uncertain significance for Cortical dysplasia-focal epilepsy syndrome. Last evaluated: 2020-12-29. Review status: criteria provided, single submitter. Criteria: NYGC Assertion Criteria 2020. Collection method: clinical testing. Allele origin: inherited. Observed: 1 heterozygote. Study: CSER-NYCKidSeq.

Literature cited by the submitters: PubMed 24807205 (cited by Labcorp Genetics (formerly Invitae), Labcorp and Women's Health and Genetics/Laboratory Corporation of America, LabCorp).